The following is an entry in ClinVar:

ClinVar aggregate classification (germline): Uncertain significance (1 of 4 stars; one submission).

Conditions:
Dyskeratosis congenita. Identifiers: Orphanet 1775, MedGen C0265965, MONDO:0015780.

Submission:

Labcorp Genetics (formerly Invitae), Labcorp
Classification: Uncertain significance for Dyskeratosis congenita. Last evaluated: 2020-03-26. Review status: criteria provided, single submitter. Criteria: Invitae Variant Classification Sherloc (09022015). Collection method: clinical testing. Allele origin: germline.
Comment: In summary, the available evidence is currently insufficient to determine the role of this variant in disease. Therefore, it has been classified as a Variant of Uncertain Significance. Algorithms developed to predict the effect of missense changes on protein structure and function are either unavailable or do not agree on the potential impact of this missense change (SIFT: "Tolerated"; PolyPhen-2: "Possibly Damaging"; Align-GVGD: "Class C0"). This variant has not been reported in the literature in individuals with CTC1-related conditions. This variant is not present in population databases (ExAC no frequency). This sequence change replaces glutamine with arginine at codon 378 of the CTC1 protein (p.Gln378Arg). The glutamine residue is moderately conserved and there is a small physicochemical difference between glutamine and arginine.

NM_025099.6(CTC1):c.1133A>G (p.Gln378Arg)

Gene: CTC1 (CST telomere replication complex component 1; minus strand). Cytogenetic location: 17p13.1.
Variant type: single nucleotide variant.
Coding change: c.1133A>G on transcript NM_025099.6 (MANE Select); coding-DNA position 1133, A replaced by G.
Protein change: p.Gln378Arg; replaces glutamine 378 with arginine.
Molecular consequence: missense variant. On other transcripts: non-coding transcript variant (1).
Genome position (GRCh38, 1-based): chr17:8,235,904, T>C on the plus strand (A>G on the coding strand, the complement: CTC1 is on the minus strand). VCF-style: chr17-8235904-T-C. GRCh37 (hg19) VCF-style: chr17-8139222-T-C.
Other names: short protein forms Q378R.
Identifiers: ClinVar variation 1003455 (VCV001003455.8), dbSNP rs1987673814, ClinGen allele CA397987013.